The following is an entry in ClinVar:

ClinVar aggregate classification (germline): Uncertain significance (1 of 4 stars; one submission).

Submission:

Labcorp Genetics (formerly Invitae), Labcorp
Classification: Uncertain significance. Last evaluated: 2024-08-31. Review status: criteria provided, single submitter. Criteria: Invitae Variant Classification Sherloc (09022015). Collection method: clinical testing. Allele origin: germline.
Comment: This sequence change replaces threonine, which is neutral and polar, with lysine, which is basic and polar, at codon 53 of the DGUOK protein (p.Thr53Lys). This variant is not present in population databases (gnomAD no frequency). This variant has not been reported in the literature in individuals affected with DGUOK-related conditions. Invitae Evidence Modeling of protein sequence and biophysical properties (such as structural, functional, and spatial information, amino acid conservation, physicochemical variation, residue mobility, and thermodynamic stability) indicates that this missense variant is expected to disrupt DGUOK protein function with a positive predictive value of 80%. In summary, the available evidence is currently insufficient to determine the role of this variant in disease. Therefore, it has been classified as a Variant of Uncertain Significance.

NM_080916.3(DGUOK):c.158C>A (p.Thr53Lys)

Gene: DGUOK (deoxyguanosine kinase; plus strand). Cytogenetic location: 2p13.1.
Variant type: single nucleotide variant.
Coding change: c.158C>A on transcript NM_080916.3 (MANE Select); coding-DNA position 158, C replaced by A.
Protein change: p.Thr53Lys; replaces threonine 53 with lysine.
Molecular consequence: missense variant. On other transcripts: intron variant (4).
Genome position (GRCh38, 1-based): chr2:73,938,925, C>A. VCF-style: chr2-73938925-C-A. GRCh37 (hg19) VCF-style: chr2-74166052-C-A.
Other names: c.158C>A, p.Thr53Lys (NM_001318859.2, NM_080918.3); c.-37+6242C>A (NM_001318861.2, NM_001318862.2); c.-36-7794C>A (NM_001318860.2, NM_001318863.2); short protein forms T53K.
Identifiers: ClinVar variation 3662048 (VCV003662048.2).